The following is an entry in ClinVar:

ClinVar aggregate classification (germline): Uncertain significance. Review status: criteria provided, multiple submitters, no conflicts (2 of 4 stars). 2 submissions from 2 submitters: Uncertain significance (2). Last evaluated 2025-06-03.

Conditions:
Hereditary cancer-predisposing syndrome. Also called: Neoplastic Syndromes, Hereditary; Tumor predisposition; Hereditary Cancer Syndrome; Hereditary neoplastic syndrome. Identifiers: Orphanet 140162, MedGen C0027672, MeSH D009386, MONDO:0015356.

Allele frequency attached by ClinVar (database versions not stated): gnomAD exomes below 0.00001.
gnomAD v4.1: 1 of 1,613,816 alleles (0.000062%); highest among the groups gnomAD compares: Non-Finnish European, 0.000085%; no homozygotes.

Submissions (2):

Ambry Genetics
Classification: Uncertain significance for Hereditary cancer-predisposing syndrome. Last evaluated: 2025-06-03. Review status: criteria provided, single submitter. Criteria: Ambry Variant Classification Scheme 2023. Collection method: clinical testing. Allele origin: germline.
Comment: The p.E2137G variant (also known as c.6410A>G), located in coding exon 46 of the POLE gene, results from an A to G substitution at nucleotide position 6410. The glutamic acid at codon 2137 is replaced by glycine, an amino acid with similar properties. This amino acid position is conserved. In addition, this alteration is predicted to be deleterious by in silico analysis. Since supporting evidence is limited at this time, the clinical significance of this alteration remains unclear.

Labcorp Genetics (formerly Invitae), Labcorp
Classification: Uncertain significance. Last evaluated: 2023-03-10. Review status: criteria provided, single submitter. Criteria: Invitae Variant Classification Sherloc (09022015). Collection method: clinical testing. Allele origin: germline.
Comment: This sequence change replaces glutamic acid, which is acidic and polar, with glycine, which is neutral and non-polar, at codon 2137 of the POLE protein (p.Glu2137Gly). In summary, the available evidence is currently insufficient to determine the role of this variant in disease. Therefore, it has been classified as a Variant of Uncertain Significance. Advanced modeling of protein sequence and biophysical properties (such as structural, functional, and spatial information, amino acid conservation, physicochemical variation, residue mobility, and thermodynamic stability) performed at Invitae indicates that this missense variant is not expected to disrupt POLE protein function. ClinVar contains an entry for this variant (Variation ID: 1753388). This variant has not been reported in the literature in individuals affected with POLE-related conditions. This variant is not present in population databases (gnomAD no frequency).

NM_006231.4(POLE):c.6410A>G (p.Glu2137Gly)

Gene: POLE (DNA polymerase epsilon, catalytic subunit; minus strand). Cytogenetic location: 12q24.33.
Variant type: single nucleotide variant.
Coding change: c.6410A>G on transcript NM_006231.4 (MANE Select); coding-DNA position 6410, A replaced by G.
Protein change: p.Glu2137Gly; replaces glutamic acid 2137 with glycine.
Molecular consequence: missense variant.
Genome position (GRCh38, 1-based): chr12:132,626,238, T>C on the plus strand (A>G on the coding strand, the complement: POLE is on the minus strand). VCF-style: chr12-132626238-T-C. GRCh37 (hg19) VCF-style: chr12-133202824-T-C.
Other names: short protein forms E2137G.
Identifiers: ClinVar variation 1753388 (VCV001753388.6), dbSNP rs2541842073, ClinGen allele CA387367658.